The following is an entry in ClinVar:

ClinVar aggregate classification (germline): Uncertain significance. Review status: criteria provided, multiple submitters, no conflicts (2 of 4 stars). 2 submissions from 2 submitters: Uncertain significance (2). Last evaluated 2025-05-04.

Conditions:
Inborn genetic diseases. Identifiers: MedGen C0950123, MeSH D030342.

Allele frequency attached by ClinVar (database versions not stated): gnomAD exomes below 0.00001; gnomAD 0.00001; ExAC 0.00002; TOPMed 0.00002.
gnomAD v4.1: 4 of 1,613,348 alleles (0.00025%); highest among the groups gnomAD compares: African/African-American, 0.0027%; no homozygotes.

Submissions (2):

Ambry Genetics
Classification: Uncertain significance for Inborn genetic diseases. Last evaluated: 2025-05-04. Review status: criteria provided, single submitter. Criteria: Ambry Variant Classification Scheme 2023. Collection method: clinical testing. Allele origin: germline.

GeneDx
Classification: Uncertain significance. Last evaluated: 2022-09-22. Review status: criteria provided, single submitter. Criteria: GeneDx Variant Classification Process June 2021. Collection method: clinical testing. Allele origin: germline. Affected: yes.
Comment: Not observed at significant frequency in large population cohorts (gnomAD); In silico analysis supports that this missense variant does not alter protein structure/function; Has not been previously published as pathogenic or benign to our knowledge

NM_018060.4(IARS2):c.1013C>T (p.Ala338Val)

Gene: IARS2 (isoleucyl-tRNA synthetase 2, mitochondrial; plus strand). Cytogenetic location: 1q41.
Variant type: single nucleotide variant.
Coding change: c.1013C>T on transcript NM_018060.4 (MANE Select); coding-DNA position 1013, C replaced by T.
Protein change: p.Ala338Val; replaces alanine 338 with valine.
Molecular consequence: missense variant.
Genome position (GRCh38, 1-based): chr1:220,103,509, C>T. VCF-style: chr1-220103509-C-T. GRCh37 (hg19) VCF-style: chr1-220276851-C-T.
Other names: short protein forms A338V.
Identifiers: ClinVar variation 2446232 (VCV002446232.2), dbSNP rs749970922, ClinGen allele CA1401280.